The following is an entry in ClinVar:

ClinVar aggregate classification (germline): Uncertain significance (1 of 4 stars; one submission).

Conditions:
Gorlin syndrome. Also called: Basal cell nevus syndrome; Nevoid Basal Cell Carcinoma Syndrome. Identifiers: Orphanet 377, MedGen C0004779, MONDO:0007187.

Submission:

Labcorp Genetics (formerly Invitae), Labcorp
Classification: Uncertain significance for Gorlin syndrome. Last evaluated: 2024-07-08. Review status: criteria provided, single submitter. Criteria: Invitae Variant Classification Sherloc (09022015). Collection method: clinical testing. Allele origin: germline.
Comment: This sequence change replaces phenylalanine, which is neutral and non-polar, with leucine, which is neutral and non-polar, at codon 522 of the PTCH1 protein (p.Phe522Leu). This variant is not present in population databases (gnomAD no frequency). This variant has not been reported in the literature in individuals affected with PTCH1-related conditions. ClinVar contains an entry for this variant (Variation ID: 1449392). Advanced modeling of protein sequence and biophysical properties (such as structural, functional, and spatial information, amino acid conservation, physicochemical variation, residue mobility, and thermodynamic stability) performed at Invitae indicates that this missense variant is not expected to disrupt PTCH1 protein function with a negative predictive value of 95%. In summary, the available evidence is currently insufficient to determine the role of this variant in disease. Therefore, it has been classified as a Variant of Uncertain Significance.

NM_000264.5(PTCH1):c.1566C>G (p.Phe522Leu)

Gene: PTCH1 (patched 1; minus strand). Cytogenetic location: 9q22.32.
Variant type: single nucleotide variant.
Coding change: c.1566C>G on transcript NM_000264.5 (MANE Select); coding-DNA position 1566, C replaced by G.
Protein change: p.Phe522Leu; replaces phenylalanine 522 with leucine.
Molecular consequence: missense variant. On other transcripts: non-coding transcript variant (1).
Genome position (GRCh38, 1-based): chr9:95,476,795, G>C on the plus strand (C>G on the coding strand, the complement: PTCH1 is on the minus strand). VCF-style: chr9-95476795-G-C. GRCh37 (hg19) VCF-style: chr9-98239077-G-C.
Other names: c.1368C>G, p.Phe456Leu (NM_001083602.3); c.1563C>G, p.Phe521Leu (NM_001083603.3); c.1113C>G, p.Phe371Leu (NM_001083604.3, NM_001083605.3, NM_001083606.3 and 1 more transcripts); c.1410C>G, p.Phe470Leu (NM_001354918.2); short protein forms F470L, F456L, F522L, F371L, F521L.
Identifiers: ClinVar variation 1449392 (VCV001449392.6), dbSNP rs2118281892, ClinGen allele CA374118226.
Genomic context (GRCh38, chr9:95,476,795, plus strand): 5'-TCTCTTCTTTTGTTTTTGCATTACCTCAAAAGGGATTCTTTTATTCTGTCCTGTTTCACT[G>C]AAGGCGTGGGCCAGAAGAAAAACATCATCCACACCAACACCAAGAGCGAGAAATGGCAAA-3'
Protein context (NP_000255.2, residues 512-532): VDDVFLLAHA[Phe522Leu]SETGQNKRIP